The following is an entry in ClinVar:

ClinVar aggregate classification (germline): Likely pathogenic. Review status: criteria provided, multiple submitters, no conflicts (2 of 4 stars). 3 submissions from 3 submitters: Likely pathogenic (2). 1 of the submissions does not count toward it. Last evaluated 2023-06-07.

Conditions:
Bloom syndrome (BLM). Also called: Bloom-Torre-Machacek syndrome. Identifiers: Orphanet 125, MedGen C0005859, MONDO:0008876, OMIM 210900.

Submissions (3):

Labcorp Genetics (formerly Invitae), Labcorp
Classification: Likely pathogenic for Bloom syndrome. Last evaluated: 2023-06-07. Review status: criteria provided, single submitter. Criteria: Invitae Variant Classification Sherloc (09022015). Collection method: clinical testing. Allele origin: germline.
Comment: In summary, the currently available evidence indicates that the variant is pathogenic, but additional data are needed to prove that conclusively. Therefore, this variant has been classified as Likely Pathogenic. Algorithms developed to predict the effect of sequence changes on RNA splicing suggest that this variant may disrupt the consensus splice site. ClinVar contains an entry for this variant (Variation ID: 42066). Disruption of this splice site has been observed in individual(s) with Bloom syndrome (PMID: 17407155). This variant is not present in population databases (gnomAD no frequency). This sequence change affects a donor splice site in intron 8 of the BLM gene. It is expected to disrupt RNA splicing. Variants that disrupt the donor or acceptor splice site typically lead to a loss of protein function (PMID: 16199547), and loss-of-function variants in BLM are known to be pathogenic (PMID: 17407155).

Women's Health and Genetics/Laboratory Corporation of America, LabCorp
Classification: Likely pathogenic for Bloom syndrome. Last evaluated: 2022-05-02. Review status: criteria provided, single submitter. Criteria: LabCorp Variant Classification Summary - May 2015. Collection method: clinical testing. Allele origin: germline.
Comment: Variant summary: BLM c.2074+1G>T is located in a canonical splice-site and is predicted to affect mRNA splicing resulting in a significantly altered protein due to either exon skipping, shortening, or inclusion of intronic material. Several computational tools predict a significant impact on normal splicing: Four predict the variant abolishes a 5' splicing donor site. However, these predictions have yet to be confirmed by functional studies. The variant was absent in 251216 control chromosomes. c.2074+1G>T has been reported in the literature in at least one individual affected with Bloom Syndrome (German_2007). To our knowledge, no experimental evidence demonstrating an impact on protein function has been reported. Two clinical diagnostic laboratories have submitted clinical-significance assessments for this variant to ClinVar after 2014 without evidence for independent evaluation. All laboratories classified the variant as likely pathogenic. Based on the evidence outlined above, the variant was classified as likely pathogenic.

Counsyl
Classification: Likely pathogenic for Bloom syndrome. Last evaluated: 2016-01-20. Review status: no assertion criteria provided. Collection method: clinical testing. Allele origin: unknown. Not counted in ClinVar's aggregate classification.

Literature cited by the submitters: PubMed 17407155 (cited by 3 submitters); PubMed 16199547 (cited by Labcorp Genetics (formerly Invitae), Labcorp).

NM_000057.4(BLM):c.2074+1G>T

Gene: BLM (BLM RecQ like helicase; plus strand). Cytogenetic location: 15q26.1.
Variant type: single nucleotide variant.
Coding change: c.2074+1G>T on transcript NM_000057.4 (MANE Select); the canonical splice donor site of the intron after coding-DNA position 2074, G replaced by T.
Molecular consequence: splice donor variant.
Genome position (GRCh38, 1-based): chr15:90,763,158, G>T. VCF-style: chr15-90763158-G-T. GRCh37 (hg19) VCF-style: chr15-91306388-G-T.
Other names: c.2074+1G>T (NM_001287246.2, NM_001287247.2); c.949+1G>T (NM_001287248.2).
Identifiers: ClinVar variation 42066 (VCV000042066.14), dbSNP rs367543036, ClinGen allele CA344501.
Genomic context (GRCh38, chr15:90,763,158, plus strand): 5'-AGCTAGAGGCGATCAATGCTGCACTGCTTGGTGAAGACTGTTTTATCCTGATGCCGACTG[G>T]TATGTATTTTTAGAAGTGAATTGGCAGGAATCCATTGGCAGATGTTAAATGAAAGCTCTT-3'